The following is an entry in ClinVar:

ClinVar aggregate classification (germline): Likely benign (1 of 4 stars; one submission).

Submission:

CeGaT Center for Human Genetics Tuebingen
Classification: Likely benign. Last evaluated: 2023-08-01. Review status: criteria provided, single submitter. Criteria: CeGaT Center For Human Genetics Tuebingen Variant Classification Criteria Version 2. Collection method: clinical testing. Allele origin: germline. Affected: yes. Observed: 2 variant alleles.
Comment: KIR2DL4: BP4, BP7

NM_001080770.2(KIR2DL4):c.546C>T (p.Phe182=)

Gene: KIR2DL4 (killer cell immunoglobulin like receptor, two Ig domains and long cytoplasmic tail 4). Cytogenetic location: 19q13.42.
Variant type: single nucleotide variant.
Coding change: c.546C>T on transcript NM_001080770.2 (MANE Select); coding-DNA position 546, C replaced by T.
Protein change: p.Phe182=; no amino-acid change (phenylalanine 182 retained).
Molecular consequence: synonymous variant.
Genome position (GRCh38, 1-based): chr19:54,806,135, C>T. VCF-style: chr19-54806135-C-T. GRCh37 (hg19) VCF-style: chr19-55317590-C-T.
Other names: c.546C>T, p.Phe182= (NM_001080772.2).
Identifiers: ClinVar variation 2650477 (VCV002650477.24), dbSNP rs1209696260, ClinGen allele CA883694501.